The following is an entry in ClinVar:

NM_003742.4(ABCB11):c.1948del (p.Tyr650fs)

Gene: ABCB11 (ATP binding cassette subfamily B member 11; minus strand). Cytogenetic location: 2q31.1.
Variant type: Deletion.
Coding change: c.1948del on transcript NM_003742.4 (MANE Select); coding-DNA position 1948, one base deleted (T; older notation c.1948delT).
Protein change: p.Tyr650fs; shifts the reading frame from tyrosine 650.
Molecular consequence: frameshift variant.
Genome position (GRCh38, 1-based): chr2:168,969,413, A deleted on the plus strand (T on the coding strand, the reverse complement: ABCB11 is on the minus strand); the first of 3 consecutive A bases (chr2:168,969,413-168,969,415); deleting any one gives the same sequence. VCF-style (leftmost placement, unchanged base first): chr2-168969412-TA-T. GRCh37 (hg19) VCF-style: chr2-169825922-TA-T.
Other names: c.1948del, p.Tyr650fs (LRG_1199t1); short protein forms Y650fs.
Identifiers: ClinVar variation 597001 (VCV000597001.12), dbSNP rs1558894166, ClinGen allele CA913189523.

ClinVar aggregate classification (germline): Pathogenic. Review status: criteria provided, multiple submitters, no conflicts (2 of 4 stars). 2 submissions from 2 submitters: Pathogenic (2). Last evaluated 2023-05-22.

Submissions (2):

Labcorp Genetics (formerly Invitae), Labcorp
Classification: Pathogenic. Last evaluated: 2023-05-22. Review status: criteria provided, single submitter. Criteria: Invitae Variant Classification Sherloc (09022015). Collection method: clinical testing. Allele origin: germline.
Comment: For these reasons, this variant has been classified as Pathogenic. ClinVar contains an entry for this variant (Variation ID: 597001). This variant has not been reported in the literature in individuals affected with ABCB11-related conditions. This variant is not present in population databases (gnomAD no frequency). This sequence change creates a premature translational stop signal (p.Tyr650Thrfs*4) in the ABCB11 gene. It is expected to result in an absent or disrupted protein product. Loss-of-function variants in ABCB11 are known to be pathogenic (PMID: 18395098, 20232290).

Eurofins Ntd Llc (ga)
Classification: Pathogenic. Last evaluated: 2018-04-27. Review status: criteria provided, single submitter. Criteria: EGL ClinVar v180209 classification definitions. Collection method: clinical testing. Allele origin: germline. Observed: 1 variant allele, 1 heterozygote.

Literature cited by the submitters: PubMed 18395098 (cited by Labcorp Genetics (formerly Invitae), Labcorp); PubMed 20232290 (cited by Labcorp Genetics (formerly Invitae), Labcorp).